The following is an entry in ClinVar:

ClinVar aggregate classification (germline): Pathogenic/Likely pathogenic. Review status: criteria provided, multiple submitters, no conflicts (2 of 4 stars). 2 submissions from 2 submitters: Pathogenic (1); Likely pathogenic (1). Last evaluated 2024-11-19.

Conditions:
Brain small vessel disease 1 with or without ocular anomalies (BSVD1). Also called: BRAIN SMALL VESSEL DISEASE WITH HEMORRHAGE; Brain small vessel disease with or without ocular anomalies; GOULD SYNDROME 1; PORENCEPHALY, TYPE 1, AUTOSOMAL DOMINANT. Identifiers: Orphanet 2940, Orphanet 36383, Orphanet 99810, MedGen C4755307, MONDO:0008289, OMIM 175780.
Hemorrhage, intracerebral, susceptibility to (ICH). Also called: Stroke, hemorrhagic, susceptibility to. Identifiers: MedGen C3281105, MONDO:0100533, OMIM 614519.
Retinal arterial tortuosity. Also called: RETINAL HEMORRHAGE WITH VASCULAR TORTUOSITY; Retinal arteries, tortuosity of. Identifiers: Orphanet 75326, MedGen C0423401, MONDO:0008373, OMIM 180000, HP:0000631.
Autosomal dominant familial hematuria-retinal arteriolar tortuosity-contractures syndrome. Also called: Angiopathy, hereditary, with nephropathy, aneurysms, and muscle cramps; Hereditary Angiopathy with Nephropathy, Aneurysms, and Muscle Cramps (HANAC) Syndrome. Identifiers: Orphanet 73229, MedGen C2673195, MONDO:0012726, OMIM 611773.
Microangiopathy and leukoencephalopathy, pontine, autosomal dominant. Also called: DEMENTIA, HEREDITARY MULTI-INFARCT, SWEDISH TYPE; Pontine autosomal dominant microangiopathy with leukoencephalopathy. Identifiers: Orphanet 477749, MedGen C5231411, MONDO:0032814, OMIM 618564.

Submissions (2):

Labcorp Genetics (formerly Invitae), Labcorp
Classification: Pathogenic. Last evaluated: 2024-11-19. Review status: criteria provided, single submitter. Criteria: Invitae Variant Classification Sherloc (09022015). Collection method: clinical testing. Allele origin: germline.
Comment: This sequence change creates a premature translational stop signal (p.Leu502Phefs*20) in the COL4A1 gene. It is expected to result in an absent or disrupted protein product. Loss-of-function variants in COL4A1 are known to be pathogenic (PMID: 23225343). This variant is not present in population databases (gnomAD no frequency). This variant has not been reported in the literature in individuals affected with COL4A1-related conditions. For these reasons, this variant has been classified as Pathogenic.

Fulgent Genetics
Classification: Likely pathogenic for Brain small vessel disease 1 with or without ocular anomalies; Retinal arterial tortuosity; Autosomal dominant familial hematuria-retinal arteriolar tortuosity-contractures syndrome; Hemorrhage, intracerebral, susceptibility to; Microangiopathy and leukoencephalopathy, pontine, autosomal dominant. Last evaluated: 2024-03-22. Review status: criteria provided, single submitter. Criteria: ACMG Guidelines, 2015. Collection method: clinical testing. Allele origin: germline.

Literature cited by the submitters: PubMed 23225343 (cited by Labcorp Genetics (formerly Invitae), Labcorp).

NM_001845.6(COL4A1):c.1504_1505dup (p.Leu502fs)

Gene: COL4A1 (collagen type IV alpha 1 chain; minus strand). Cytogenetic location: 13q34.
Variant type: Duplication.
Coding change: c.1504_1505dup on transcript NM_001845.6 (MANE Select); coding-DNA positions 1504 to 1505, 2 bases duplicated (TT; older notation c.1504_1505dupTT).
Protein change: p.Leu502fs; shifts the reading frame from leucine 502.
Molecular consequence: frameshift variant.
Genome position (GRCh38, 1-based): chr13:110,192,245-110,192,246, AA duplicated on the plus strand (TT on the coding strand, the reverse complement: COL4A1 is on the minus strand); duplicating any 2 consecutive bases within chr13:110,192,245-110,192,247 gives the same sequence; the c. name uses the placement nearest the transcript's 3' end. VCF-style (leftmost placement, unchanged base first): chr13-110192244-C-CAA. GRCh37 (hg19) VCF-style: chr13-110844591-C-CAA.
Other names: c.1504_1505dup, p.Leu502fs (NM_001303110.2); short protein forms L502fs.
Identifiers: ClinVar variation 3575732 (VCV003575732.3).